The following is an entry in ClinVar:

NM_181507.2(HPS5):c.1652G>A (p.Arg551His)

Gene: HPS5 (HPS5 biogenesis of lysosomal organelles complex 2 subunit 2; minus strand). Cytogenetic location: 11p15.1.
Variant type: single nucleotide variant.
Coding change: c.1652G>A on transcript NM_181507.2 (MANE Select); coding-DNA position 1652, G replaced by A.
Protein change: p.Arg551His; replaces arginine 551 with histidine.
Molecular consequence: missense variant.
Genome position (GRCh38, 1-based): chr11:18,295,152, C>T on the plus strand (G>A on the coding strand, the complement: HPS5 is on the minus strand). VCF-style: chr11-18295152-C-T. GRCh37 (hg19) VCF-style: chr11-18316699-C-T.
Other names: c.1310G>A, p.Arg437His (NM_007216.4, NM_181508.2); short protein forms R437H, R551H.
Identifiers: ClinVar variation 1413714 (VCV001413714.7), dbSNP rs1037863397, ClinGen allele CA218541053.

ClinVar aggregate classification (germline): Uncertain significance. Review status: criteria provided, multiple submitters, no conflicts (2 of 4 stars). 3 submissions from 3 submitters: Uncertain significance (3). Last evaluated 2024-10-09.

Conditions:
Inborn genetic diseases. Identifiers: MedGen C0950123, MeSH D030342.

Allele frequency attached by ClinVar (database versions not stated): gnomAD 0.00001; gnomAD exomes 0.00002; TOPMed 0.00004.
gnomAD v4.1: 36 of 1,613,878 alleles (0.0022%); highest among the groups gnomAD compares: African/African-American, 0.0067%; no homozygotes.

Submissions (3):

Ambry Genetics
Classification: Uncertain significance for Inborn genetic diseases. Last evaluated: 2024-10-09. Review status: criteria provided, single submitter. Criteria: Ambry Variant Classification Scheme 2023. Collection method: clinical testing. Allele origin: germline.

Women's Health and Genetics/Laboratory Corporation of America, LabCorp
Classification: Uncertain significance. Last evaluated: 2023-12-12. Review status: criteria provided, single submitter. Criteria: LabCorp Variant Classification Summary - May 2015. Collection method: clinical testing. Allele origin: germline.
Comment: Variant summary: HPS5 c.1652G>A (p.Arg551His) results in a non-conservative amino acid change in the encoded protein sequence. Four of five in-silico tools predict a damaging effect of the variant on protein function. The variant allele was found at a frequency of 1.6e-05 in 251330 control chromosomes. The available data on variant occurrences in the general population are insufficient to allow any conclusion about variant significance. To our knowledge, no occurrence of c.1652G>A in individuals affected with Hermansky-Pudlak Syndrome and no experimental evidence demonstrating its impact on protein function have been reported. One submitter has cited clinical-significance assessments for this variant to ClinVar after 2014 and has classified the variant as uncertain significance. Based on the evidence outlined above, the variant was classified as uncertain significance.

Labcorp Genetics (formerly Invitae), Labcorp
Classification: Uncertain significance. Last evaluated: 2021-09-01. Review status: criteria provided, single submitter. Criteria: Invitae Variant Classification Sherloc (09022015). Collection method: clinical testing. Allele origin: germline.
Comment: This sequence change replaces arginine with histidine at codon 551 of the HPS5 protein (p.Arg551His). The arginine residue is moderately conserved and there is a small physicochemical difference between arginine and histidine. This variant is not present in population databases (ExAC no frequency). This variant has not been reported in the literature in individuals affected with HPS5-related conditions. Algorithms developed to predict the effect of missense changes on protein structure and function are either unavailable or do not agree on the potential impact of this missense change (SIFT: "Tolerated"; PolyPhen-2: "Probably Damaging"; Align-GVGD: "Class C0"). In summary, the available evidence is currently insufficient to determine the role of this variant in disease. Therefore, it has been classified as a Variant of Uncertain Significance.